The following is an entry in ClinVar:

NM_178554.6(KY):c.988C>T (p.Pro330Ser)

Genes: CEP63 (centrosomal protein 63; plus strand), KY (kyphoscoliosis peptidase; minus strand). Cytogenetic location: 3q22.2.
Variant type: single nucleotide variant.
Coding change: c.988C>T on transcript NM_178554.6 (MANE Select); coding-DNA position 988, C replaced by T.
Protein change: p.Pro330Ser; replaces proline 330 with serine.
Molecular consequence: missense variant.
Genome position (GRCh38, 1-based): chr3:134,608,751, G>A on the plus strand (C>T on the coding strand, the complement: KY is on the minus strand). VCF-style: chr3-134608751-G-A. GRCh37 (hg19) VCF-style: chr3-134327593-G-A.
Other names: c.940C>T, p.Pro314Ser (NM_001350859.2); c.862C>T, p.Pro288Ser (NM_001350860.2); c.925C>T, p.Pro309Ser (NM_001366276.1); c.988C>T, p.Pro330Ser (NM_001366277.2); short protein forms P330S, P288S, P309S, P314S.
Identifiers: ClinVar variation 731323 (VCV000731323.10), dbSNP rs201201519, ClinGen allele CA2629117.

ClinVar aggregate classification (germline): Conflicting classifications of pathogenicity. Review status: criteria provided, conflicting classifications (1 of 4 stars). 4 submissions from 4 submitters: Uncertain significance (2); Likely benign (1). 1 of the submissions does not count toward it. Last evaluated 2025-02-11.

Conditions:
Inborn genetic diseases. Identifiers: MedGen C0950123, MeSH D030342.
KY-related disorder. Also called: KY-related condition.

Allele frequency attached by ClinVar (database versions not stated): 1000 Genomes Project 30x 0.00016; 1000 Genomes Project 0.00020; gnomAD 0.00039 and 0.00040; gnomAD exomes 0.00045 and 0.00068; ESP Exome Variant Server 0.00056; ExAC 0.00062; TOPMed 0.00042.
gnomAD v4.1: 752 of 1,614,032 alleles (0.047%); highest among the groups gnomAD compares: Middle Eastern, 0.12%; 3 homozygotes.

Submissions (4):

GeneDx
Classification: Uncertain significance. Last evaluated: 2025-02-11. Review status: criteria provided, single submitter. Criteria: GeneDx Variant Classification Process June 2021. Collection method: clinical testing. Allele origin: germline.
Comment: In silico analysis supports that this missense variant has a deleterious effect on protein structure/function; Has not been previously published as pathogenic or benign to our knowledge

Ambry Genetics
Classification: Uncertain significance for Inborn genetic diseases. Last evaluated: 2021-08-12. Review status: criteria provided, single submitter. Criteria: Ambry Variant Classification Scheme 2023. Collection method: clinical testing. Allele origin: germline.

Labcorp Genetics (formerly Invitae), Labcorp
Classification: Likely benign. Last evaluated: 2019-12-31. Review status: criteria provided, single submitter. Criteria: Invitae Variant Classification Sherloc (09022015). Collection method: clinical testing. Allele origin: germline.

PreventionGenetics, part of Exact Sciences
Classification: Benign for KY-related condition. Last evaluated: 2019-05-24. Review status: no assertion criteria provided. Collection method: clinical testing. Allele origin: germline. Not counted in ClinVar's aggregate classification.
Comment: This variant is classified as benign based on ACMG/AMP sequence variant interpretation guidelines (Richards et al. 2015 PMID: 25741868, with internal and published modifications).